The following is an entry in ClinVar:

ClinVar aggregate classification (germline): Likely pathogenic (1 of 4 stars; one submission).

Submission:

Dasa
Classification: Likely pathogenic. Last evaluated: 2025-02-10. Review status: criteria provided, single submitter. Criteria: DASA Assertion Criteria. Collection method: clinical testing. Allele origin: germline.
Comment: NM_018255.4(ELP2):c.400_403delinsCT (p.Ala134Leufs*10) is a frameshift variant in ELP2 predicted to alter the reading frame and introduce a premature termination codon and is predicted to result in an absent or altered protein product. Loss of function is an established disease mechanism for ELP2-associated disorders. Also, this variant is absent from population databases. Based on the currently available evidence, this variant is classified as likely pathogenic.

NM_018255.4(ELP2):c.400_403delinsCT (p.Ala134fs)

Gene: ELP2 (elongator acetyltransferase complex subunit 2; plus strand). Cytogenetic location: 18q12.2.
Variant type: Indel.
Coding change: c.400_403delinsCT on transcript NM_018255.4 (MANE Select); coding-DNA positions 400 to 403, GCTG replaced by CT.
Protein change: p.Ala134fs; shifts the reading frame from alanine 134.
Molecular consequence: frameshift variant. On other transcripts: 5 prime UTR variant (1), non-coding transcript variant (4).
Genome position (GRCh38, 1-based): chr18:36,138,381-36,138,384, GCTG replaced by CT. VCF-style: chr18-36138381-GCTG-CT. GRCh37 (hg19) VCF-style: chr18-33718344-GCTG-CT.
Other names: c.400_403delinsCT, p.Ala134fs (NM_001242875.3, NM_001242876.3, NM_001242877.3 and 5 more transcripts); c.-48_-45delinsCT (NM_001324468.2); short protein forms A134fs.
Identifiers: ClinVar variation 4880754 (VCV004880754.2).
Genomic context (GRCh38, chr18:36,138,381, plus strand): 5'-CATGCTGTTTACCAGAGGAGGACATCAGATCCTGCATTATGTACACTGATCGTTTCTGCA[GCTG>CT]CAGATTCTGCTGTTCGACTCTGGTCTAAAAAGGGTCCAGAAGGTAGGTTTGGAGACATGA-3'